The following is an entry in ClinVar:

NM_021615.5(CHST6):c.465G>A (p.Arg155=)

Gene: CHST6 (carbohydrate sulfotransferase 6; minus strand). Cytogenetic location: 16q23.1.
Variant type: single nucleotide variant.
Coding change: c.465G>A on transcript NM_021615.5 (MANE Select); coding-DNA position 465, G replaced by A.
Protein change: p.Arg155=; no amino-acid change (arginine 155 retained).
Molecular consequence: synonymous variant.
Genome position (GRCh38, 1-based): chr16:75,479,364, C>T on the plus strand (G>A on the coding strand, the complement: CHST6 is on the minus strand). VCF-style: chr16-75479364-C-T. GRCh37 (hg19) VCF-style: chr16-75513262-C-T.
Identifiers: ClinVar variation 320612 (VCV000320612.18), dbSNP rs141905571, ClinGen allele CA8175491.

ClinVar aggregate classification (germline): Benign. Review status: criteria provided, multiple submitters, no conflicts (2 of 4 stars). 4 submissions from 4 submitters: Benign (3). 1 of the submissions does not count toward it. Last evaluated 2026-02-02.

Conditions:
CHST6-related disorder. Also called: CHST6-related condition.
Macular corneal dystrophy (MCD). Also called: GROENOUW TYPE II CORNEAL DYSTROPHY; Macular corneal dystrophy Type I. Identifiers: Orphanet 98969, MedGen C1636149, MONDO:0009020, OMIM 217800.

Allele frequency attached by ClinVar (database versions not stated): TOPMed 0.00497; ESP Exome Variant Server 0.00539; gnomAD 0.00619 and 0.00678; gnomAD exomes 0.00807 and 0.01056; 1000 Genomes Project 30x 0.00874; 1000 Genomes Project 0.00978; ExAC 0.01049.
gnomAD v4.1: 12,899 of 1,612,672 alleles (0.8%); highest among the groups gnomAD compares: South Asian, 2.5%; 119 homozygotes.

Submissions (4):

Labcorp Genetics (formerly Invitae), Labcorp
Classification: Benign for Macular corneal dystrophy. Last evaluated: 2026-02-02. Review status: criteria provided, single submitter. Criteria: Invitae Variant Classification Sherloc (09022015). Collection method: clinical testing. Allele origin: germline.

Illumina Laboratory Services, Illumina
Classification: Benign for Macular corneal dystrophy. Last evaluated: 2018-01-13. Review status: criteria provided, single submitter. Criteria: ICSL Variant Classification Criteria 13 December 2019. Collection method: clinical testing. Allele origin: germline.
Comment: This variant was observed in the ICSL laboratory as part of a predisposition screen in an ostensibly healthy population. It had not been previously curated by ICSL or reported in the Human Gene Mutation Database (HGMD: prior to June 1st, 2018), and was therefore a candidate for classification through an automated scoring system. Utilizing variant allele frequency, disease prevalence and penetrance estimates, and inheritance mode, an automated score was calculated to assess if this variant is too frequent to cause the disease. Based on the score and internal cut-off values, a variant classified as benign is not then subjected to further curation. The score for this variant resulted in a classification of benign for this disease.

Breakthrough Genomics
Classification: Benign. Review status: criteria provided, single submitter. Criteria: ACMG Guidelines, 2015. Collection method: not provided. Allele origin: germline. Inheritance: Autosomal recessive inheritance. Affected: yes.

PreventionGenetics, part of Exact Sciences
Classification: Benign for CHST6-related condition. Last evaluated: 2019-03-14. Review status: no assertion criteria provided. Collection method: clinical testing. Allele origin: germline. Not counted in ClinVar's aggregate classification.
Comment: This variant is classified as benign based on ACMG/AMP sequence variant interpretation guidelines (Richards et al. 2015 PMID: 25741868, with internal and published modifications).